The following is an entry in ClinVar:

ClinVar aggregate classification (germline): Likely benign. Review status: criteria provided, multiple submitters, no conflicts (2 of 4 stars). 2 submissions from 2 submitters: Likely benign (2). Last evaluated 2024-09-01.

Conditions:
Tyrosinemia type II (TYRSN2). Also called: KERATOSIS PALMOPLANTARIS WITH CORNEAL DYSTROPHY; OREGON TYPE TYROSINEMIA; TAT DEFICIENCY; TYROSINE AMINOTRANSFERASE DEFICIENCY; TYROSINE TRANSAMINASE DEFICIENCY. Identifiers: Orphanet 28378, MedGen C0268487, MONDO:0010160, OMIM 276600.

Allele frequency attached by ClinVar (database versions not stated): gnomAD exomes 0.00001; TOPMed 0.00002; gnomAD 0.00003 and 0.00004.
gnomAD v4.1: 25 of 1,614,038 alleles (0.0015%); highest among the groups gnomAD compares: Non-Finnish European, 0.0019%; no homozygotes.

Submissions (2):

CeGaT Center for Human Genetics Tuebingen
Classification: Likely benign. Last evaluated: 2024-09-01. Review status: criteria provided, single submitter. Criteria: CeGaT Center For Human Genetics Tuebingen Variant Classification Criteria Version 2. Collection method: clinical testing. Allele origin: germline. Affected: yes. Observed: 1 variant allele.
Comment: TAT: BP4, BP7

Labcorp Genetics (formerly Invitae), Labcorp
Classification: Likely benign for Tyrosinemia type II. Last evaluated: 2023-12-29. Review status: criteria provided, single submitter. Criteria: Invitae Variant Classification Sherloc (09022015). Collection method: clinical testing. Allele origin: germline.

NM_000353.3(TAT):c.192G>A (p.Lys64=)

Gene: TAT (tyrosine aminotransferase; minus strand). Cytogenetic location: 16q22.2.
Variant type: single nucleotide variant.
Coding change: c.192G>A on transcript NM_000353.3 (MANE Select); coding-DNA position 192, G replaced by A.
Protein change: p.Lys64=; no amino-acid change (lysine 64 retained).
Molecular consequence: synonymous variant.
Genome position (GRCh38, 1-based): chr16:71,576,224, C>T on the plus strand (G>A on the coding strand, the complement: TAT is on the minus strand). VCF-style: chr16-71576224-C-T. GRCh37 (hg19) VCF-style: chr16-71610127-C-T.
Identifiers: ClinVar variation 1136684 (VCV001136684.23), dbSNP rs1246137962, ClinGen allele CA496410257.